The following is an entry in ClinVar:

ClinVar aggregate classification (germline): Uncertain significance. Review status: criteria provided, multiple submitters, no conflicts (2 of 4 stars). 2 submissions from 2 submitters: Uncertain significance (2). Last evaluated 2023-11-05.

Conditions:
Hereditary cancer-predisposing syndrome. Also called: Hereditary neoplastic syndrome; Tumor predisposition; Neoplastic Syndromes, Hereditary; Hereditary Cancer Syndrome. Identifiers: Orphanet 140162, MedGen C0027672, MeSH D009386, MONDO:0015356.
Microcephaly, normal intelligence and immunodeficiency (NBS). Also called: Nijmegen breakage syndrome; Microcephaly with normal intelligence immunodeficiency and lymphoreticular malignancies; Nonsyndromal microcephaly autosomal recessive with normal intelligence; Seemanova syndrome 2; IMMUNODEFICIENCY, MICROCEPHALY, AND CHROMOSOMAL INSTABILITY; SEEMANOVA SYNDROME II. Identifiers: Orphanet 647, MedGen C0398791, MONDO:0009623, OMIM 251260.

Submissions (2):

Ambry Genetics
Classification: Uncertain significance for Hereditary cancer-predisposing syndrome. Last evaluated: 2023-11-05. Review status: criteria provided, single submitter. Criteria: Ambry Variant Classification Scheme 2023. Collection method: clinical testing. Allele origin: germline.
Comment: The p.N511T variant (also known as c.1532A>C), located in coding exon 11 of the NBN gene, results from an A to C substitution at nucleotide position 1532. The asparagine at codon 511 is replaced by threonine, an amino acid with similar properties. This amino acid position is conserved. In addition, this alteration is predicted to be tolerated by in silico analysis. Since supporting evidence is limited at this time, the clinical significance of this alteration remains unclear.

Labcorp Genetics (formerly Invitae), Labcorp
Classification: Uncertain significance for Microcephaly, normal intelligence and immunodeficiency. Last evaluated: 2022-12-03. Review status: criteria provided, single submitter. Criteria: Invitae Variant Classification Sherloc (09022015). Collection method: clinical testing. Allele origin: germline.
Comment: In summary, the available evidence is currently insufficient to determine the role of this variant in disease. Therefore, it has been classified as a Variant of Uncertain Significance. Algorithms developed to predict the effect of missense changes on protein structure and function (SIFT, PolyPhen-2, Align-GVGD) all suggest that this variant is likely to be tolerated. ClinVar contains an entry for this variant (Variation ID: 1475710). This variant has not been reported in the literature in individuals affected with NBN-related conditions. This variant is not present in population databases (gnomAD no frequency). This sequence change replaces asparagine, which is neutral and polar, with threonine, which is neutral and polar, at codon 511 of the NBN protein (p.Asn511Thr).

NM_002485.5(NBN):c.1532A>C (p.Asn511Thr)

Gene: NBN (nibrin; minus strand). Cytogenetic location: 8q21.3.
Variant type: single nucleotide variant.
Coding change: c.1532A>C on transcript NM_002485.5 (MANE Select); coding-DNA position 1532, A replaced by C.
Protein change: p.Asn511Thr; replaces asparagine 511 with threonine.
Molecular consequence: missense variant.
Genome position (GRCh38, 1-based): chr8:89,953,557, T>G on the plus strand (A>C on the coding strand, the complement: NBN is on the minus strand). VCF-style: chr8-89953557-T-G. GRCh37 (hg19) VCF-style: chr8-90965785-T-G.
Other names: c.1286A>C, p.Asn429Thr (NM_001024688.3); short protein forms N429T, N511T.
Identifiers: ClinVar variation 1475710 (VCV001475710.10), dbSNP rs2129701658, ClinGen allele CA371655654.